The following is an entry in ClinVar:

NM_022841.7(RFX7):c.379C>G (p.Gln127Glu)

Gene: RFX7 (regulatory factor X7; minus strand). Cytogenetic location: 15q21.3.
Variant type: single nucleotide variant.
Coding change: c.379C>G on transcript NM_022841.7 (MANE Select); coding-DNA position 379, C replaced by G.
Protein change: p.Gln127Glu; replaces glutamine 127 with glutamic acid.
Molecular consequence: missense variant.
Genome position (GRCh38, 1-based): chr15:56,142,800, G>C on the plus strand (C>G on the coding strand, the complement: RFX7 is on the minus strand). VCF-style: chr15-56142800-G-C. GRCh37 (hg19) VCF-style: chr15-56434998-G-C.
Other names: c.88C>G, p.Gln30Glu (NM_001368073.2, NM_001368074.1, NM_001370554.1); c.379C>G, p.Gln127Glu (NM_001370561.1); short protein forms Q127E, Q30E.
Identifiers: ClinVar variation 4689956 (VCV004689956.1).

ClinVar aggregate classification (germline): Uncertain significance (1 of 4 stars; one submission).

gnomAD v4.1: 8 of 1,613,178 alleles (0.0005%); highest among the groups gnomAD compares: Non-Finnish European, 0.00068%; no homozygotes.

Submission:

GeneDx
Classification: Uncertain significance. Last evaluated: 2025-08-02. Review status: criteria provided, single submitter. Criteria: GeneDx Variant Classification Process June 2021. Collection method: clinical testing. Allele origin: germline. Affected: yes.
Comment: Not observed at significant frequency in large population cohorts (gnomAD); In silico analysis supports that this missense variant has a deleterious effect on protein structure/function; Has not been previously published as pathogenic or benign to our knowledge